The following is an entry in ClinVar:

ClinVar aggregate classification (germline): Uncertain significance (1 of 4 stars; one submission).

Conditions:
Hereditary cancer-predisposing syndrome. Also called: Neoplastic Syndromes, Hereditary; Tumor predisposition; Hereditary neoplastic syndrome; Hereditary Cancer Syndrome. Identifiers: Orphanet 140162, MedGen C0027672, MeSH D009386, MONDO:0015356.

Submission:

Ambry Genetics
Classification: Uncertain significance for Hereditary cancer-predisposing syndrome. Last evaluated: 2023-12-08. Review status: criteria provided, single submitter. Criteria: Ambry Variant Classification Scheme 2023. Collection method: clinical testing. Allele origin: germline.
Comment: The p.E951K variant (also known as c.2851G>A), located in coding exon 20 of the PDGFRA gene, results from a G to A substitution at nucleotide position 2851. The glutamic acid at codon 951 is replaced by lysine, an amino acid with similar properties. This amino acid position is conserved. In addition, the in silico prediction for this alteration is inconclusive. Since supporting evidence is limited at this time, the clinical significance of this alteration remains unclear.

NM_006206.6(PDGFRA):c.2851G>A (p.Glu951Lys)

Gene: PDGFRA (platelet derived growth factor receptor alpha; plus strand). Cytogenetic location: 4q12.
Variant type: single nucleotide variant.
Coding change: c.2851G>A on transcript NM_006206.6 (MANE Select); coding-DNA position 2851, G replaced by A.
Protein change: p.Glu951Lys; replaces glutamic acid 951 with lysine.
Molecular consequence: missense variant.
Genome position (GRCh38, 1-based): chr4:54,289,085, G>A. VCF-style: chr4-54289085-G-A. GRCh37 (hg19) VCF-style: chr4-55155252-G-A.
Other names: c.2926G>A, p.Glu976Lys (NM_001347828.2); c.2851G>A, p.Glu951Lys (NM_001347829.2); c.2890G>A, p.Glu964Lys (NM_001347830.2); short protein forms E951K, E964K, E976K.
Identifiers: ClinVar variation 3225294 (VCV003225294.1), dbSNP rs1724502907, ClinGen allele CA356895823.
Genomic context (GRCh38, chr4:54,289,085, plus strand): 5'-AAATGCTGGAACAGTGAGCCGGAGAAGAGACCCTCCTTTTACCACCTGAGTGAGATTGTG[G>A]AGAATCTGCTGCCTGGACAATATAAAAAGGTGTGTTTGGATCTGTGGGTGGAAAGGTCTG-3'
Protein context (NP_006197.1, residues 941-961): PSFYHLSEIV[Glu951Lys]NLLPGQYKKS